The following is an entry in ClinVar:

ClinVar aggregate classification (germline): Uncertain significance. Review status: criteria provided, multiple submitters, no conflicts (2 of 4 stars). 2 submissions from 2 submitters: Uncertain significance (2). Last evaluated 2025-09-04.

Conditions:
Primary ciliary dyskinesia. Also called: Ciliary dyskinesia. Identifiers: Orphanet 244, MedGen C0008780, MONDO:0016575, HP:0012265.

Allele frequency attached by ClinVar (database versions not stated): TOPMed below 0.00001; gnomAD 0.00001; gnomAD exomes 0.00001.
gnomAD v4.1: 12 of 1,123,459 alleles (0.0011%); highest among the groups gnomAD compares: South Asian, 0.016%; no homozygotes.

Submissions (2):

Labcorp Genetics (formerly Invitae), Labcorp
Classification: Uncertain significance for Primary ciliary dyskinesia. Last evaluated: 2025-09-04. Review status: criteria provided, single submitter. Criteria: Invitae Variant Classification Sherloc (09022015). Collection method: clinical testing. Allele origin: germline.
Comment: This sequence change replaces aspartic acid, which is acidic and polar, with glycine, which is neutral and non-polar, at codon 498 of the RPGR protein (p.Asp498Gly). The frequency data for this variant in the population databases is considered unreliable, as metrics indicate poor data quality at this position in the gnomAD database. This variant has not been reported in the literature in individuals affected with RPGR-related conditions. ClinVar contains an entry for this variant (Variation ID: 1903875). Invitae Evidence Modeling of protein sequence and biophysical properties (such as structural, functional, and spatial information, amino acid conservation, physicochemical variation, residue mobility, and thermodynamic stability) has been performed for this missense variant. However, the output from this modeling did not meet the statistical confidence thresholds required to predict the impact of this variant on RPGR protein function. In summary, the available evidence is currently insufficient to determine the role of this variant in disease. Therefore, it has been classified as a Variant of Uncertain Significance.

Blueprint Genetics
Classification: Uncertain significance. Last evaluated: 2023-08-24. Review status: criteria provided, single submitter. Criteria: ACMG Guidelines, 2015. Collection method: clinical testing. Allele origin: germline.

NM_001034853.2(RPGR):c.1493A>G (p.Asp498Gly)

Gene: RPGR (retinitis pigmentosa GTPase regulator; minus strand). Cytogenetic location: Xp11.4.
Variant type: single nucleotide variant.
Coding change: c.1493A>G on transcript NM_001034853.2 (MANE Select); coding-DNA position 1493, A replaced by G.
Protein change: p.Asp498Gly; replaces aspartic acid 498 with glycine.
Molecular consequence: missense variant. On other transcripts: non-coding transcript variant (5).
Genome position (GRCh38, 1-based): chrX:38,291,406, T>C on the plus strand (A>G on the coding strand, the complement: RPGR is on the minus strand). VCF-style: chrX-38291406-T-C. GRCh37 (hg19) VCF-style: chrX-38150659-T-C.
Other names: c.1493A>G, p.Asp498Gly (NM_000328.3, NM_001367247.1); c.1490A>G, p.Asp497Gly (NM_001367245.1, NM_001367249.1, NM_001367250.1); c.1307A>G, p.Asp436Gly (NM_001367246.1, NM_001367251.1); c.1523A>G, p.Asp508Gly (NM_001367248.1); short protein forms D497G, D498G, D436G, D508G.
Identifiers: ClinVar variation 1903875 (VCV001903875.6), dbSNP rs1163013962, ClinGen allele CA412737748.